The following is an entry in ClinVar:

NM_177972.3(TUB):c.728C>T (p.Pro243Leu)

Genes: RIC3 (RIC3 acetylcholine receptor chaperone; minus strand), TUB (TUB bipartite transcription factor; plus strand). Cytogenetic location: 11p15.4.
Variant type: single nucleotide variant.
Coding change: c.728C>T on transcript NM_177972.3 (MANE Select); coding-DNA position 728, C replaced by T.
Protein change: p.Pro243Leu; replaces proline 243 with leucine.
Molecular consequence: missense variant.
Genome position (GRCh38, 1-based): chr11:8,097,268, C>T. VCF-style: chr11-8097268-C-T. GRCh37 (hg19) VCF-style: chr11-8118815-C-T.
Other names: c.893C>T (NM_003320.4); c.728C>T (NM_177972.2); c.893C>T, p.Pro298Leu (NM_003320.5); short protein forms P243L, P298L.
Identifiers: ClinVar variation 1053687 (VCV001053687.10), dbSNP rs1944038804, ClinGen allele CA379568552.

ClinVar aggregate classification (germline): Uncertain significance. Review status: criteria provided, multiple submitters, no conflicts (2 of 4 stars). 4 submissions from 4 submitters: Uncertain significance (4). Last evaluated 2025-07-21.

Conditions:
Retinal dystrophy and obesity (RDOB). Identifiers: Orphanet 791, MedGen C4015424, MONDO:0014522, OMIM 616188.
TUB-related disorder. Also called: TUB-related condition.

Allele frequency attached by ClinVar (database versions not stated): gnomAD exomes below 0.00001; TOPMed 0.00001.
gnomAD v4.1: 3 of 1,614,186 alleles (0.00019%); highest among the groups gnomAD compares: Admixed American, 0.005%; no homozygotes.

Submissions (4):

PreventionGenetics, part of Exact Sciences
Classification: Uncertain significance for TUB-related condition. Last evaluated: 2025-07-21. Review status: criteria provided, single submitter. Criteria: ACMG Guidelines, 2015. Collection method: clinical testing. Allele origin: germline.
Comment: The TUB c.893C>T variant is predicted to result in the amino acid substitution p.Pro298Leu. To our knowledge, this variant has not been reported in the literature or in a large population database, indicating this variant is rare. At this time, the clinical significance of this variant is uncertain due to the absence of conclusive functional and genetic evidence.

Labcorp Genetics (formerly Invitae), Labcorp
Classification: Uncertain significance. Last evaluated: 2024-03-11. Review status: criteria provided, single submitter. Criteria: Invitae Variant Classification Sherloc (09022015). Collection method: clinical testing. Allele origin: germline.
Comment: This sequence change replaces proline, which is neutral and non-polar, with leucine, which is neutral and non-polar, at codon 298 of the TUB protein (p.Pro298Leu). This variant is not present in population databases (gnomAD no frequency). This variant has not been reported in the literature in individuals affected with TUB-related conditions. ClinVar contains an entry for this variant (Variation ID: 1053687). An algorithm developed to predict the effect of missense changes on protein structure and function (PolyPhen-2) suggests that this variant¬†is likely to be tolerated. In summary, the available evidence is currently insufficient to determine the role of this variant in disease. Therefore, it has been classified as a Variant of Uncertain Significance.

New York Genome Center
Classification: Uncertain significance for Retinal dystrophy and obesity. Last evaluated: 2022-09-16. Review status: criteria provided, single submitter. Criteria: NYGC Assertion Criteria 2020. Collection method: clinical testing. Allele origin: germline. Observed: 1 heterozygote.

Ambry Genetics
Classification: Uncertain significance. Last evaluated: 2021-08-16. Review status: criteria provided, single submitter. Criteria: Ambry Variant Classification Scheme 2023. Collection method: clinical testing. Allele origin: germline.